The following is an entry in ClinVar:

NM_002047.4(GARS1):c.44C>T (p.Ala15Val)

Gene: GARS1 (glycyl-tRNA synthetase 1; plus strand). Cytogenetic location: 7p14.3.
Variant type: single nucleotide variant.
Coding change: c.44C>T on transcript NM_002047.4 (MANE Select); coding-DNA position 44, C replaced by T.
Protein change: p.Ala15Val; replaces alanine 15 with valine.
Molecular consequence: missense variant. On other transcripts: 5 prime UTR variant (1).
Genome position (GRCh38, 1-based): chr7:30,594,965, C>T. VCF-style: chr7-30594965-C-T. GRCh37 (hg19) VCF-style: chr7-30634581-C-T.
Other names: c.-119C>T (NM_001316772.1); c.44C>T (NM_002047.3); short protein forms A15V.
Identifiers: ClinVar variation 694989 (VCV000694989.11), dbSNP rs758037738, ClinGen allele CA4205573.
Genomic context (GRCh38, chr7:30,594,965, plus strand): 5'-CCCAGGGCCGCAGGCTCATGCCCTCTCCGCGTCCAGTGCTGCTTAGAGGTGCTCGCGCCG[C>T]TCTGCTGCTGCTGCTGCCGCCCCGGCTCTTAGCCCGACCCTCGCTCCTGCTCCGCCGGTC-3'
Protein context (NP_002038.2, residues 5-25): RPVLLRGARA[Ala15Val]LLLLLPPRLL

ClinVar aggregate classification (germline): Likely benign. Review status: criteria provided, multiple submitters, no conflicts (2 of 4 stars). 4 submissions from 4 submitters: Likely benign (3). 1 of the submissions does not count toward it. Last evaluated 2025-06-26.

Conditions:
Charcot-Marie-Tooth disease. Also called: Charcot-Marie-Tooth Hereditary Neuropathy; Charcot-Marie-Tooth Neuropathy. Identifiers: Orphanet 166, MedGen C0007959, MONDO:0015626.
Charcot-Marie-Tooth disease type 2. Also called: Charcot-Marie-Tooth type 2. Identifiers: Orphanet 64746, MedGen C0270914, MONDO:0018993.
GARS1-related disorder. Also called: GARS1-related condition.

Allele frequency attached by ClinVar (database versions not stated): TOPMed 0.00002; gnomAD 0.00004; gnomAD exomes 0.00006 and 0.00008; ExAC 0.00007.
gnomAD v4.1: 120 of 1,595,956 alleles (0.0075%); highest among the groups gnomAD compares: Middle Eastern, 0.074%; no homozygotes.

Submissions (4):

PreventionGenetics, part of Exact Sciences
Classification: Likely benign for GARS1-related condition. Last evaluated: 2025-06-26. Review status: criteria provided, single submitter. Criteria: ACMG Guidelines, 2015. Collection method: clinical testing. Allele origin: germline.
Comment: This variant is classified as likely benign based on ACMG/AMP sequence variant interpretation guidelines (Richards et al. 2015 PMID: 25741868, with internal and published modifications).

Labcorp Genetics (formerly Invitae), Labcorp
Classification: Likely benign for Charcot-Marie-Tooth disease type 2. Last evaluated: 2024-08-06. Review status: criteria provided, single submitter. Criteria: Invitae Variant Classification Sherloc (09022015). Collection method: clinical testing. Allele origin: germline.

Ambry Genetics
Classification: Likely benign. Last evaluated: 2019-09-19. Review status: criteria provided, single submitter. Criteria: Ambry Variant Classification Scheme 2023. Collection method: clinical testing. Allele origin: germline.

Genesis Genome Database
Classification: Uncertain significance for Charcot-Marie-Tooth disease. Last evaluated: 2019-08-14. Review status: no assertion criteria provided. Collection method: research. Allele origin: germline. Affected: yes. Not counted in ClinVar's aggregate classification.